The following is an entry in ClinVar:

ClinVar aggregate classification (germline): Likely pathogenic (1 of 4 stars; one submission).

Conditions:
Familial hemophagocytic lymphohistiocytosis 5. Also called: STXBP2-Related Familial Hemophagocytic Lymphohistiocytosis (STXBP2-fHLH). Identifiers: Orphanet 540, MedGen C2751293, MONDO:0013135, OMIM 613101.

Submission:

Labcorp Genetics (formerly Invitae), Labcorp
Classification: Likely pathogenic for Familial hemophagocytic lymphohistiocytosis 5. Last evaluated: 2023-09-08. Review status: criteria provided, single submitter. Criteria: Invitae Variant Classification Sherloc (09022015). Collection method: clinical testing. Allele origin: germline.
Comment: This variant is not present in population databases (gnomAD no frequency). This sequence change affects a donor splice site in intron 11 of the STXBP2 gene. It is expected to disrupt RNA splicing. Variants that disrupt the donor or acceptor splice site typically lead to a loss of protein function (PMID: 16199547), and loss-of-function variants in STXBP2 are known to be pathogenic (PMID: 19804848, 22451424). This variant has not been reported in the literature in individuals affected with STXBP2-related conditions. Algorithms developed to predict the effect of sequence changes on RNA splicing suggest that this variant may disrupt the consensus splice site. In summary, the currently available evidence indicates that the variant is pathogenic, but additional data are needed to prove that conclusively. Therefore, this variant has been classified as Likely Pathogenic.

Literature cited by the submitters: PubMed 16199547; PubMed 19804848; PubMed 22451424.

NM_006949.4(STXBP2):c.960+1G>T

Gene: STXBP2 (syntaxin binding protein 2; plus strand). Cytogenetic location: 19p13.2.
Variant type: single nucleotide variant.
Coding change: c.960+1G>T on transcript NM_006949.4 (MANE Select); the canonical splice donor site of the intron after coding-DNA position 960, G replaced by T.
Molecular consequence: splice donor variant.
Genome position (GRCh38, 1-based): chr19:7,642,824, G>T. VCF-style: chr19-7642824-G-T. GRCh37 (hg19) VCF-style: chr19-7707710-G-T.
Other names: c.864+1G>T (NM_001414484.1); c.993+1G>T (NM_001272034.2); c.951+1G>T (NM_001127396.3).
Identifiers: ClinVar variation 2835922 (VCV002835922.3), dbSNP rs2512699658, ClinGen allele CA403160302.
Genomic context (GRCh38, chr19:7,642,824, plus strand): 5'-AGGAAGGTCACGGAGCTCCTGAGGACCTTCTGTGAGAGCAAGAGGCTGACCACGGACAAG[G>T]TAGGGGCGGACCCAGGTCACCAAAGGCGCTGGTGGAAGGAAGCCCCCCTCCCCATGGGCG-3'